The following is an entry in ClinVar:

ClinVar aggregate classification (germline): Likely benign. Review status: criteria provided, single submitter (1 of 4 stars). 4 submissions from 4 submitters: Likely benign (1). 3 of the submissions do not count toward it.

Conditions:
FLG-related disorder. Also called: FLG-related condition; FLG-related disorders.

Allele frequency attached by ClinVar (database versions not stated): gnomAD exomes 0.00025; ExAC 0.00295; 1000 Genomes Project 30x 0.03061.
gnomAD v4.1: 3,371 of 1,508,672 alleles (0.22%); highest among the groups gnomAD compares: African/African-American, 5.9%; 1 homozygote.

Submissions (4):

Breakthrough Genomics
Classification: Likely benign. Review status: criteria provided, single submitter. Criteria: ACMG Guidelines, 2015. Collection method: not provided. Allele origin: germline. Inheritance: Autosomal dominant inheritance. Affected: yes.

PreventionGenetics, part of Exact Sciences
Classification: Likely benign for FLG-related condition. Last evaluated: 2023-12-13. Review status: no assertion criteria provided. Collection method: clinical testing. Allele origin: germline. Not counted in ClinVar's aggregate classification.
Comment: This variant is classified as likely benign based on ACMG/AMP sequence variant interpretation guidelines (Richards et al. 2015 PMID: 25741868, with internal and published modifications).

Clinical Genetics DNA and cytogenetics Diagnostics Lab, Erasmus MC, Erasmus Medical Center
Classification: Likely benign. Review status: no assertion criteria provided. Collection method: clinical testing. Allele origin: germline. Affected: yes. Study: VKGL Data-share Consensus. Not counted in ClinVar's aggregate classification.

Laboratory of Diagnostic Genome Analysis, Leiden University Medical Center (LUMC)
Classification: Likely benign. Review status: no assertion criteria provided. Collection method: clinical testing. Allele origin: germline. Affected: yes. Study: VKGL Data-share Consensus. Not counted in ClinVar's aggregate classification.

NM_002016.2(FLG):c.2786G>T (p.Gly929Val)

Genes: CCDST (cervical cancer associated DHX9 suppressive transcript; plus strand), FLG (filaggrin; minus strand). Cytogenetic location: 1q21.3.
Variant type: single nucleotide variant.
Coding change: c.2786G>T on transcript NM_002016.2 (MANE Select); coding-DNA position 2786, G replaced by T.
Protein change: p.Gly929Val; replaces glycine 929 with valine.
Molecular consequence: missense variant.
Genome position (GRCh38, 1-based): chr1:152,312,100, C>A on the plus strand (G>T on the coding strand, the complement: FLG is on the minus strand). VCF-style: chr1-152312100-C-A. GRCh37 (hg19) VCF-style: chr1-152284576-C-A.
Other names: c.2786G>T (NM_002016.1); short protein forms G929V.
Identifiers: ClinVar variation 1206107 (VCV001206107.5), dbSNP rs143382793, ClinGen allele CA1106989.